The following is an entry in ClinVar:

NM_001372.4(DNAH9):c.1571G>A (p.Arg524Gln)

Gene: DNAH9 (dynein axonemal heavy chain 9; plus strand). Cytogenetic location: 17p12.
Variant type: single nucleotide variant.
Coding change: c.1571G>A on transcript NM_001372.4 (MANE Select); coding-DNA position 1571, G replaced by A.
Protein change: p.Arg524Gln; replaces arginine 524 with glutamine.
Molecular consequence: missense variant.
Genome position (GRCh38, 1-based): chr17:11,632,639, G>A. VCF-style: chr17-11632639-G-A. GRCh37 (hg19) VCF-style: chr17-11535956-G-A.
Other names: short protein forms R524Q.
Identifiers: ClinVar variation 1421210 (VCV001421210.8), dbSNP rs140374295, ClinGen allele CA8394895.

ClinVar aggregate classification (germline): Uncertain significance (1 of 4 stars; one submission).

Allele frequency attached by ClinVar (database versions not stated): gnomAD exomes 0.00017; gnomAD 0.00018 and 0.00017; ESP Exome Variant Server 0.00023; ExAC 0.00026.
gnomAD v4.1: 260 of 1,611,500 alleles (0.016%); highest among the groups gnomAD compares: Non-Finnish European, 0.021%; no homozygotes.

Submission:

Labcorp Genetics (formerly Invitae), Labcorp
Classification: Uncertain significance. Last evaluated: 2026-01-28. Review status: criteria provided, single submitter. Criteria: Invitae Variant Classification Sherloc (09022015). Collection method: clinical testing. Allele origin: germline.
Comment: This sequence change replaces arginine, which is basic and polar, with glutamine, which is neutral and polar, at codon 524 of the DNAH9 protein (p.Arg524Gln). This variant is present in population databases (rs140374295, gnomAD 0.03%). This missense change has been observed in individual(s) with clinical features of primary ciliary dyskinesia (internal data). ClinVar contains an entry for this variant (Variation ID: 1421210). An algorithm developed to predict the effect of missense changes on protein structure and function outputs the following: PolyPhen-2: "Benign". The glutamine amino acid residue is found in multiple mammalian species, which suggests that this missense change does not adversely affect protein function. In summary, the available evidence is currently insufficient to determine the role of this variant in disease. Therefore, it has been classified as a Variant of Uncertain Significance.